The following is an entry in ClinVar:

NM_005548.3(KARS1):c.1514C>G (p.Pro505Arg)

Gene: KARS1 (lysyl-tRNA synthetase 1; minus strand). Cytogenetic location: 16q23.1.
Variant type: single nucleotide variant.
Coding change: c.1514C>G on transcript NM_005548.3 (MANE Select); coding-DNA position 1514, C replaced by G.
Protein change: p.Pro505Arg; replaces proline 505 with arginine.
Molecular consequence: missense variant.
Genome position (GRCh38, 1-based): chr16:75,629,452, G>C on the plus strand (C>G on the coding strand, the complement: KARS1 is on the minus strand). VCF-style: chr16-75629452-G-C. GRCh37 (hg19) VCF-style: chr16-75663350-G-C.
Other names: c.1598C>G, p.Pro533Arg (NM_001130089.2); c.1046C>G, p.Pro349Arg (NM_001378148.1); short protein forms P349R, P505R, P533R.
Identifiers: ClinVar variation 2499553 (VCV002499553.3), dbSNP rs1299184638, ClinGen allele CA396810641.
Genomic context (GRCh38, chr16:75,629,452, plus strand): 5'-CTGCTCACAGTCCCCTTTCTCACCTTGGCCTGTTCTTCAAAAAGCTGCCGCTGCCGCATG[G>C]GATCATTCAGCTCAGTATACGCATTGCATATCTCTTTCTTCATGACAAACAGCTCAAAGC-3'
Protein context (NP_005539.1, residues 495-515): ICNAYTELND[Pro505Arg]MRQRQLFEEQ

ClinVar aggregate classification (germline): Likely pathogenic. Review status: criteria provided, multiple submitters, no conflicts (2 of 4 stars). 2 submissions from 2 submitters: Likely pathogenic (2). Last evaluated 2024-06-05.

Conditions:
Leukoencephalopathy, progressive, infantile-onset, with or without deafness. Identifiers: MedGen C5542996, MONDO:0030893, OMIM 619147.

Allele frequency attached by ClinVar (database versions not stated): TOPMed below 0.00001; gnomAD 0.00001.
gnomAD v4.1: 1 of 1,614,040 alleles (0.000062%); highest among the groups gnomAD compares: Non-Finnish European, 0.000085%; no homozygotes.

Submissions (2):

GeneDx
Classification: Likely pathogenic. Last evaluated: 2024-06-05. Review status: criteria provided, single submitter. Criteria: GeneDx Variant Classification Process June 2021. Collection method: clinical testing. Allele origin: germline. Affected: yes.
Comment: Published functional studies demonstrate a severe oxidative growth defect, a significant reduction in oxidative consumption rate, and severe reduction of synthesis of mitochondrial protein (PMID: 33942428); Not observed at significant frequency in large population cohorts (gnomAD); In silico analysis supports that this missense variant has a deleterious effect on protein structure/function; This variant is associated with the following publications: (PMID: 32730690, 33942428, 37853563)

Duke University Health System Sequencing Clinic, Duke University Health System
Classification: Likely pathogenic for Leukoencephalopathy, progressive, infantile-onset, with or without deafness. Last evaluated: 2023-04-20. Review status: criteria provided, single submitter. Criteria: ACMG Guidelines, 2015. Collection method: research. Allele origin: paternal. Affected: yes.

Literature cited by the submitters: PubMed 32730690 (cited by Duke University Health System Sequencing Clinic, Duke University Health System).